The following is an entry in ClinVar:

NM_000127.3(EXT1):c.1902C>G (p.Tyr634Ter)

Gene: EXT1 (exostosin glycosyltransferase 1; minus strand). Cytogenetic location: 8q24.11.
Variant type: single nucleotide variant.
Coding change: c.1902C>G on transcript NM_000127.3 (MANE Select); coding-DNA position 1902, C replaced by G.
Protein change: p.Tyr634Ter; replaces tyrosine 634 with a stop codon.
Molecular consequence: nonsense.
Genome position (GRCh38, 1-based): chr8:117,804,875, G>C on the plus strand (C>G on the coding strand, the complement: EXT1 is on the minus strand). VCF-style: chr8-117804875-G-C. GRCh37 (hg19) VCF-style: chr8-118817114-G-C.
Other names: short protein forms Y634*.
Identifiers: ClinVar variation 1455160 (VCV001455160.8), dbSNP rs2129694149, ClinGen allele CA371877677.

ClinVar aggregate classification (germline): Pathogenic (1 of 4 stars; one submission).

Conditions:
Multiple congenital exostosis (EXT). Also called: Multiple osteochondromas; MULTIPLE CARTILAGINOUS EXOSTOSES; Hereditary multiple exostoses; Hereditary multiple exostosis; Hereditary multiple osteochondromas; Multiple exostoses. Identifiers: Orphanet 321, MedGen C0015306, MONDO:0005508, HP:0002762.

Submission:

Labcorp Genetics (formerly Invitae), Labcorp
Classification: Pathogenic for Multiple congenital exostosis. Last evaluated: 2025-12-22. Review status: criteria provided, single submitter. Criteria: Invitae Variant Classification Sherloc (09022015). Collection method: clinical testing. Allele origin: germline.
Comment: This sequence change creates a premature translational stop signal (p.Tyr634*) in the EXT1 gene. It is expected to result in an absent or disrupted protein product. Loss-of-function variants in EXT1 are known to be pathogenic (PMID: 10679937, 11391482, 19810120). This variant is not present in population databases (gnomAD no frequency). This premature translational stop signal has been observed in individual(s) with multiple osteochondromas (PMID: 29529714). ClinVar contains an entry for this variant (Variation ID: 1455160). For these reasons, this variant has been classified as Pathogenic.

Literature cited by the submitters: PubMed 10679937; PubMed 11391482; PubMed 19810120; PubMed 29529714.